The following is an entry in ClinVar:

NM_053025.4(MYLK):c.1566C>A (p.Asp522Glu)

Gene: MYLK (myosin light chain kinase; minus strand). Cytogenetic location: 3q21.1.
Variant type: single nucleotide variant.
Coding change: c.1566C>A on transcript NM_053025.4 (MANE Select); coding-DNA position 1566, C replaced by A.
Protein change: p.Asp522Glu; replaces aspartic acid 522 with glutamic acid.
Molecular consequence: missense variant.
Genome position (GRCh38, 1-based): chr3:123,726,029, G>T on the plus strand (C>A on the coding strand, the complement: MYLK is on the minus strand). VCF-style: chr3-123726029-G-T. GRCh37 (hg19) VCF-style: chr3-123444876-G-T.
Other names: c.1038C>A, p.Asp346Glu (NM_001321309.2); c.1359C>A, p.Asp453Glu (NM_053026.4, NM_053028.4); c.1566C>A, p.Asp522Glu (NM_053027.4); short protein forms D453E, D346E, D522E.
Identifiers: ClinVar variation 963630 (VCV000963630.11), dbSNP rs1262457848, ClinGen allele CA354235771.

ClinVar aggregate classification (germline): Uncertain significance. Review status: criteria provided, multiple submitters, no conflicts (2 of 4 stars). 2 submissions from 2 submitters: Uncertain significance (2). Last evaluated 2025-10-29.

Conditions:
Aortic aneurysm, familial thoracic 7 (AAT7). Also called: AORTIC DISSECTION, FAMILIAL, WITH OR WITHOUT AORTIC ANEURYSM. Identifiers: MedGen C3151077, MONDO:0013418, OMIM 613780.
Familial thoracic aortic aneurysm and aortic dissection (TAAD). Also called: Thoracic aortic aneurysms and dissections. Identifiers: Orphanet 91387, MedGen C4707243, MONDO:0019625.

Allele frequency attached by ClinVar (database versions not stated): gnomAD exomes below 0.00001; gnomAD 0.00001; TOPMed 0.00001.
gnomAD v4.1: 3 of 1,614,068 alleles (0.00019%); highest among the groups gnomAD compares: Non-Finnish European, 0.00025%; no homozygotes.

Submissions (2):

Labcorp Genetics (formerly Invitae), Labcorp
Classification: Uncertain significance for Aortic aneurysm, familial thoracic 7. Last evaluated: 2025-10-29. Review status: criteria provided, single submitter. Criteria: Invitae Variant Classification Sherloc (09022015). Collection method: clinical testing. Allele origin: germline.
Comment: This sequence change replaces aspartic acid, which is acidic and polar, with glutamic acid, which is acidic and polar, at codon 522 of the MYLK protein (p.Asp522Glu). This variant is not present in population databases (gnomAD no frequency). This variant has not been reported in the literature in individuals affected with MYLK-related conditions. ClinVar contains an entry for this variant (Variation ID: 963630). Invitae Evidence Modeling of protein sequence and biophysical properties (such as structural, functional, and spatial information, amino acid conservation, physicochemical variation, residue mobility, and thermodynamic stability) indicates that this missense variant is not expected to disrupt MYLK protein function with a negative predictive value of 80%. In summary, the available evidence is currently insufficient to determine the role of this variant in disease. Therefore, it has been classified as a Variant of Uncertain Significance.

Ambry Genetics
Classification: Uncertain significance for Familial thoracic aortic aneurysm and aortic dissection. Last evaluated: 2022-11-17. Review status: criteria provided, single submitter. Criteria: Ambry Variant Classification Scheme 2023. Collection method: clinical testing. Allele origin: germline.
Comment: The p.D522E variant (also known as c.1566C>A), located in coding exon 9 of the MYLK gene, results from a C to A substitution at nucleotide position 1566. The aspartic acid at codon 522 is replaced by glutamic acid, an amino acid with highly similar properties. This amino acid position is conserved. In addition, this alteration is predicted to be tolerated by in silico analysis. Since supporting evidence is limited at this time, the clinical significance of this alteration remains unclear.